The following is an entry in ClinVar:

ClinVar aggregate classification (germline): Uncertain significance (1 of 4 stars; one submission).

Conditions:
Luscan-Lumish syndrome. Identifiers: Orphanet 597738, MedGen C4085873, MONDO:0014791, OMIM 616831.

Submission:

Labcorp Genetics (formerly Invitae), Labcorp
Classification: Uncertain significance for Luscan-Lumish syndrome. Last evaluated: 2017-10-30. Review status: criteria provided, single submitter. Criteria: Invitae Variant Classification Sherloc (09022015). Collection method: clinical testing. Allele origin: germline.
Comment: This sequence change replaces asparagine with serine at codon 1643 of the SETD2 protein (p.Asn1643Ser). The asparagine residue is highly conserved and there is a small physicochemical difference between asparagine and serine. This variant is not present in population databases (ExAC no frequency). This variant has not been reported in the literature in individuals with SETD2-related disease. Algorithms developed to predict the effect of missense changes on protein structure and function do not agree on the potential impact of this missense change (SIFT: "Deleterious"; PolyPhen-2: "Benign"; Align-GVGD: "Class C0"). In summary, the available evidence is currently insufficient to determine the role of this variant in disease. Therefore, it has been classified as a Variant of Uncertain Significance.

NM_014159.7(SETD2):c.4928A>G (p.Asn1643Ser)

Gene: SETD2 (SET domain containing 2, histone lysine methyltransferase; minus strand). Cytogenetic location: 3p21.31.
Variant type: single nucleotide variant.
Coding change: c.4928A>G on transcript NM_014159.7 (MANE Select); coding-DNA position 4928, A replaced by G.
Protein change: p.Asn1643Ser; replaces asparagine 1643 with serine.
Molecular consequence: missense variant. On other transcripts: non-coding transcript variant (1).
Genome position (GRCh38, 1-based): chr3:47,101,545, T>C on the plus strand (A>G on the coding strand, the complement: SETD2 is on the minus strand). VCF-style: chr3-47101545-T-C. GRCh37 (hg19) VCF-style: chr3-47143035-T-C.
Other names: c.4796A>G, p.Asn1599Ser (NM_001349370.3); short protein forms N1643S, N1599S.
Identifiers: ClinVar variation 542224 (VCV000542224.5), dbSNP rs1553694843, ClinGen allele CA352513314.
Genomic context (GRCh38, chr3:47,101,545, plus strand): 5'-GTTAACTCTGAGCCTGAAGGAACCAGTTTGGTGGTAAAAAACCCAACCCTCAGTTGTCCG[T>C]TCACAGTCCACTGAGATGATGTTTGAAAACAAAAGAAATTAGTAACTTATTAGTGTGTGT-3'
Protein context (NP_054878.5, residues 1633-1653): PNCETQKWTV[Asn1643Ser]GQLRVGFFTT